The following is an entry in ClinVar:

ClinVar aggregate classification (germline): Likely pathogenic (1 of 4 stars; one submission).

Conditions:
Childhood apraxia of speech (SPCH1). Also called: FOXP2-Related Speech and Language Disorder; Speech language disorder; DEVELOPMENTAL VERBAL DYSPRAXIA; SPEECH AND LANGUAGE DISORDER WITH OROFACIAL DYSPRAXIA. Identifiers: Orphanet 209908, MedGen C0750927, MONDO:0011184, OMIM 602081.

Submission:

Victorian Clinical Genetics Services, Murdoch Childrens Research Institute
Classification: Likely pathogenic for Childhood apraxia of speech. Last evaluated: 2023-07-17. Review status: criteria provided, single submitter. Criteria: ACMG Guidelines, 2015. Collection method: clinical testing. Allele origin: germline. Inheritance: Autosomal dominant inheritance. Affected: yes.
Comment: Based on the classification scheme VCGS_Germline_v1.3.4, this variant is classified as Likely pathogenic. Following criteria are met: 0102 - Loss of function is a known mechanism of disease in this gene and is associated with speech-language disorder-1 (MIM#602081). (I) 0107 - This gene is associated with autosomal dominant disease. (I) 0200 - Variant is predicted to result in a missense amino acid change from glycine to glutamic acid. (I) 0251 - This variant is heterozygous. (I) 0301 - Variant is absent from gnomAD (both v2 and v3). (SP) 0502 - Missense variant with conflicting in silico predictions and uninformative conservation. (I) 0604 - Variant is not located in an established domain, motif, hotspot or informative constraint region. (I) 0705 - No comparable missense variants have previous evidence for pathogenicity. (I) 0807 - This variant has no previous evidence of pathogenicity. (I) 0905 - No published segregation evidence has been identified for this variant. (I) 1007 - No published functional evidence has been identified for this variant. (SP) Legend: (SP) - Supporting pathogenic, (I) - Information, (SB) - Supporting benign

NM_014491.4(FOXP2):c.1418G>A (p.Gly473Glu)

Gene: FOXP2 (forkhead box P2; plus strand). Cytogenetic location: 7q31.1.
Variant type: single nucleotide variant.
Coding change: c.1418G>A on transcript NM_014491.4 (MANE Select); coding-DNA position 1418, G replaced by A.
Protein change: p.Gly473Glu; replaces glycine 473 with glutamic acid.
Molecular consequence: missense variant. On other transcripts: non-coding transcript variant (1).
Genome position (GRCh38, 1-based): chr7:114,658,217, G>A. VCF-style: chr7-114658217-G-A. GRCh37 (hg19) VCF-style: chr7-114298272-G-A.
Other names: c.1415G>A, p.Gly472Glu (NM_001172766.3); c.1493G>A, p.Gly498Glu (NM_148898.4); c.1469G>A, p.Gly490Glu (NM_148900.4); short protein forms G472E, G473E, G490E, G498E.
Identifiers: ClinVar variation 3254775 (VCV003254775.1), dbSNP rs2485474457.
Genomic context (GRCh38, chr7:114,658,217, plus strand): 5'-CAGTCACCCCGATTACCCAGGGACCCTCAGTAATCACCCCAGCCAGTGTGCCCAATGTGG[G>A]AGCCATACGAAGGCGACATTCAGACAAATACAACATTCCCATGTCATCAGGTAGGATATG-3'
Protein context (NP_055306.1, residues 463-483): VITPASVPNV[Gly473Glu]AIRRRHSDKY